The following is an entry in ClinVar:

NM_001303052.2(MYT1L):c.405C>G (p.Ile135Met)

Gene: MYT1L (myelin transcription factor 1 like; minus strand). Cytogenetic location: 2p25.3.
Variant type: single nucleotide variant.
Coding change: c.405C>G on transcript NM_001303052.2 (MANE Select); coding-DNA position 405, C replaced by G.
Protein change: p.Ile135Met; replaces isoleucine 135 with methionine.
Molecular consequence: missense variant.
Genome position (GRCh38, 1-based): chr2:1,943,082, G>C on the plus strand (C>G on the coding strand, the complement: MYT1L is on the minus strand). VCF-style: chr2-1943082-G-C. GRCh37 (hg19) VCF-style: chr2-1946854-G-C.
Other names: c.405C>G, p.Ile135Met (NM_001329844.2, NM_001329845.1, NM_001329846.3 and 6 more transcripts); short protein forms I135M.
Identifiers: ClinVar variation 1321696 (VCV001321696.5), dbSNP rs375288670, ClinGen allele CA41443371.

ClinVar aggregate classification (germline): Conflicting classifications of pathogenicity. Review status: criteria provided, conflicting classifications (1 of 4 stars). 2 submissions from 2 submitters: Uncertain significance (1); Likely benign (1). Last evaluated 2021-05-06.

Conditions:
Intellectual developmental disorder, autosomal dominant 39. Also called: Mental retardation, autosomal dominant 39; Intellectual disability, autosomal dominant 39. Identifiers: MedGen C4225296, MONDO:0014678, OMIM 616521.

gnomAD v4.1: 16 of 1,441,250 alleles (0.0011%); highest among the groups gnomAD compares: Non-Finnish European, 0.0013%; no homozygotes.

Submissions (2):

Victorian Clinical Genetics Services, Murdoch Childrens Research Institute
Classification: Uncertain significance for Intellectual developmental disorder, autosomal dominant 39. Last evaluated: 2021-05-06. Review status: criteria provided, single submitter. Criteria: ACMG Guidelines, 2015. Collection method: clinical testing. Allele origin: germline. Inheritance: Autosomal dominant inheritance.
Comment: Based on the classification scheme VCGS_Germline_v1.3.3, this variant is classified as VUS-3C. Following criteria are met: 0102 - Loss of function is a known mechanism of disease in this gene and is associated with MYT1L-related intellectual disability. (I) 0107 - This gene is associated with autosomal dominant disease. (I) 0200 - Variant is predicted to result in a missense amino acid change from isoleucine to methionine. (I) 0251 - This variant is heterozygous. (I) 0302 - Variant is present in gnomAD (v2) <0.001 for a dominant condition (1 heterozygote, 0 homozygotes). (SP) 0309 - An alternative amino acid change at the same position has been observed in gnomAD (v2, v3) (1 heterozygote, 0 homozygotes). (I) 0503 - Missense variant consistently predicted to be tolerated by multiple in silico tools or not conserved in placental mammals with a minor amino acid change. (SB) 0604 - Variant is not located in an established domain, motif, hotspot or informative constraint region. (I) 0705 - No comparable missense variants have previous evidence for pathogenicity. (I) 0807 - This variant has no previous evidence of pathogenicity. (I) 0905 - No published segregation evidence has been identified for this variant. (I) 1007 - No published functional evidence has been identified for this variant. (I) 1208 - Inheritance information for this variant is not currently available in this individual. (I) Legend: (SP) - Supporting pathogenic, (I) - Information, (SB) - Supporting benign

GeneDx
Classification: Likely benign. Last evaluated: 2021-02-12. Review status: criteria provided, single submitter. Criteria: GeneDx Variant Classification Process June 2021. Collection method: clinical testing. Allele origin: germline. Affected: yes.